The following is an entry in ClinVar:

NM_003401.5(XRCC4):c.785A>C (p.Asp262Ala)

Gene: XRCC4 (X-ray repair cross complementing 4; plus strand). Cytogenetic location: 5q14.2.
Variant type: single nucleotide variant.
Coding change: c.785A>C on transcript NM_003401.5 (MANE Select); coding-DNA position 785, A replaced by C.
Protein change: p.Asp262Ala; replaces aspartic acid 262 with alanine.
Molecular consequence: missense variant.
Genome position (GRCh38, 1-based): chr5:83,258,569, A>C. VCF-style: chr5-83258569-A-C. GRCh37 (hg19) VCF-style: chr5-82554388-A-C.
Other names: c.785A>C, p.Asp262Ala (NM_001318012.3, NM_001318013.2, NM_022406.5 and 1 more transcripts); short protein forms D262A.
Identifiers: ClinVar variation 1491886 (VCV001491886.6), dbSNP rs755412315, ClinGen allele CA360357323.

ClinVar aggregate classification (germline): Uncertain significance (1 of 4 stars; one submission).

Submission:

Labcorp Genetics (formerly Invitae), Labcorp
Classification: Uncertain significance. Last evaluated: 2022-08-22. Review status: criteria provided, single submitter. Criteria: Invitae Variant Classification Sherloc (09022015). Collection method: clinical testing. Allele origin: germline.
Comment: In summary, the available evidence is currently insufficient to determine the role of this variant in disease. Therefore, it has been classified as a Variant of Uncertain Significance. Algorithms developed to predict the effect of missense changes on protein structure and function are either unavailable or do not agree on the potential impact of this missense change (SIFT: "Not Available"; PolyPhen-2: "Probably Damaging"; Align-GVGD: "Not Available"). ClinVar contains an entry for this variant (Variation ID: 1491886). This variant has not been reported in the literature in individuals affected with XRCC4-related conditions. This variant is not present in population databases (gnomAD no frequency). This sequence change replaces aspartic acid, which is acidic and polar, with alanine, which is neutral and non-polar, at codon 262 of the XRCC4 protein (p.Asp262Ala).